The following is an entry in ClinVar:

ClinVar aggregate classification (germline): Likely benign (0 of 4 stars; one submission).

Conditions:
CFAP43-related disorder. Also called: CFAP43-related condition.

Allele frequency attached by ClinVar (database versions not stated): gnomAD 0.00002; gnomAD exomes 0.00012; ExAC 0.00029.
gnomAD v4.1: 179 of 1,613,888 alleles (0.011%); highest among the groups gnomAD compares: South Asian, 0.19%; 2 homozygotes.

Submission:

PreventionGenetics, part of Exact Sciences
Classification: Likely benign for CFAP43-related condition. Last evaluated: 2019-05-27. Review status: no assertion criteria provided. Collection method: clinical testing. Allele origin: germline.
Comment: This variant is classified as likely benign based on ACMG/AMP sequence variant interpretation guidelines (Richards et al. 2015 PMID: 25741868, with internal and published modifications).

NM_025145.7(CFAP43):c.210C>T (p.Val70=)

Gene: CFAP43 (cilia and flagella associated protein 43; minus strand). Cytogenetic location: 10q25.1.
Variant type: single nucleotide variant.
Coding change: c.210C>T on transcript NM_025145.7 (MANE Select); coding-DNA position 210, C replaced by T.
Protein change: p.Val70=; no amino-acid change (valine 70 retained).
Molecular consequence: synonymous variant.
Genome position (GRCh38, 1-based): chr10:104,230,699, G>A on the plus strand (C>T on the coding strand, the complement: CFAP43 is on the minus strand). VCF-style: chr10-104230699-G-A. GRCh37 (hg19) VCF-style: chr10-105990457-G-A.
Identifiers: ClinVar variation 3039173 (VCV003039173.2), dbSNP rs772731308, ClinGen allele CA5681338.